The following is an entry in ClinVar:

ClinVar aggregate classification (germline): Uncertain significance (1 of 4 stars; one submission).

Submission:

Ambry Genetics
Classification: Uncertain significance. Last evaluated: 2025-11-22. Review status: criteria provided, single submitter. Criteria: Ambry Variant Classification Scheme 2023. Collection method: clinical testing. Allele origin: germline.
Comment: The p.C332F variant (also known as c.995G>T), located in coding exon 1 of the TET2 gene, results from a G to T substitution at nucleotide position 995. The cysteine at codon 332 is replaced by phenylalanine, an amino acid with highly dissimilar properties. This amino acid position is conserved. In addition, this alteration is predicted to be tolerated by in silico analysis. Based on the available evidence, the clinical significance of this variant remains unclear.

NM_001127208.3(TET2):c.995G>T (p.Cys332Phe)

Genes: TET2 (tet methylcytosine dioxygenase 2; plus strand), TET2-AS1 (TET2 antisense RNA 1; minus strand). Cytogenetic location: 4q24.
Variant type: single nucleotide variant.
Coding change: c.995G>T on transcript NM_001127208.3 (MANE Select); coding-DNA position 995, G replaced by T.
Protein change: p.Cys332Phe; replaces cysteine 332 with phenylalanine.
Molecular consequence: missense variant.
Genome position (GRCh38, 1-based): chr4:105,234,937, G>T. VCF-style: chr4-105234937-G-T. GRCh37 (hg19) VCF-style: chr4-106156094-G-T.
Other names: c.995G>T, p.Cys332Phe (NM_017628.4); short protein forms C332F.
Identifiers: ClinVar variation 4594208 (VCV004594208.1).
Genomic context (GRCh38, chr4:105,234,937, plus strand): 5'-ATACCTGTTCCTTTCAGAAACCAGAACAACTACAACAACAAAAATCAGTTTTTGAGATAT[G>T]CCCATCTCCTGCAGAAAATAACATCCAGGGAACCACAAAGCTAGCGTCTGGTGAAGAATT-3'
Protein context (NP_001120680.1, residues 322-342): LQQQKSVFEI[Cys332Phe]PSPAENNIQG